The following is an entry in ClinVar:

NM_017617.5(NOTCH1):c.5208C>T (p.Phe1736=)

Gene: NOTCH1 (notch receptor 1; minus strand). Cytogenetic location: 9q34.3.
Variant type: single nucleotide variant.
Coding change: c.5208C>T on transcript NM_017617.5 (MANE Select); coding-DNA position 5208, C replaced by T.
Protein change: p.Phe1736=; no amino-acid change (phenylalanine 1736 retained).
Molecular consequence: synonymous variant.
Genome position (GRCh38, 1-based): chr9:136,502,448, G>A on the plus strand (C>T on the coding strand, the complement: NOTCH1 is on the minus strand). VCF-style: chr9-136502448-G-A. GRCh37 (hg19) VCF-style: chr9-139396900-G-A.
Other names: c.5208C>T, p.Phe1736= (LRG_1122t1).
Identifiers: ClinVar variation 520041 (VCV000520041.12), dbSNP rs781386640, ClinGen allele CA5340360.
Genomic context (GRCh38, chr9:136,502,448, plus strand): 5'-CAGCAGCACCCCGCAGCCCACGAAGAACAGAAGCACAAAGGCGGCCGCCGCCACGTACAT[G>A]AAGTGCAGCTGCGCCGGCGGGGGCGGCTCCACGGTCTCACCTGCGGGCACGGGGGCCAGG-3'
Protein context (NP_060087.3, residues 1726-1746): VEPPPPAQLH[Phe1736=]MYVAAAAFVL

ClinVar aggregate classification (germline): Benign/Likely benign. Review status: criteria provided, multiple submitters, no conflicts (2 of 4 stars). 3 submissions from 3 submitters: Benign (1); Likely benign (2). Last evaluated 2026-05-01.

Conditions:
Familial thoracic aortic aneurysm and aortic dissection (TAAD). Also called: Thoracic aortic aneurysms and dissections. Identifiers: Orphanet 91387, MedGen C4707243, MONDO:0019625.
Adams-Oliver syndrome 5 (AOS5). Identifiers: Orphanet 974, MedGen C4014970, MONDO:0014459, OMIM 616028.

Allele frequency attached by ClinVar (database versions not stated): TOPMed 0.00002; gnomAD 0.00003 and 0.00002; gnomAD exomes 0.00004 and 0.00001; ExAC 0.00005.
gnomAD v4.1: 21 of 1,605,030 alleles (0.0013%); highest among the groups gnomAD compares: East Asian, 0.025%; no homozygotes.

Submissions (3):

CeGaT Center for Human Genetics Tuebingen
Classification: Likely benign. Last evaluated: 2026-05-01. Review status: criteria provided, single submitter. Criteria: CeGaT Center For Human Genetics Tuebingen Variant Classification Criteria Version 2. Collection method: clinical testing. Allele origin: germline. Affected: yes. Observed: 1 variant allele.
Comment: NOTCH1: BP4, BP7

Labcorp Genetics (formerly Invitae), Labcorp
Classification: Benign for Adams-Oliver syndrome 5. Last evaluated: 2025-02-15. Review status: criteria provided, single submitter. Criteria: Invitae Variant Classification Sherloc (09022015). Collection method: clinical testing. Allele origin: germline.

Ambry Genetics
Classification: Likely benign for Familial thoracic aortic aneurysm and aortic dissection. Last evaluated: 2017-04-03. Review status: criteria provided, single submitter. Criteria: Ambry Variant Classification Scheme 2023. Collection method: clinical testing. Allele origin: germline.